The following is an entry in ClinVar:

ClinVar aggregate classification (germline): Uncertain significance (1 of 4 stars; one submission).

Conditions:
Inborn genetic diseases. Identifiers: MedGen C0950123, MeSH D030342.

Submission:

Ambry Genetics
Classification: Uncertain significance for Inborn genetic diseases. Last evaluated: 2025-10-09. Review status: criteria provided, single submitter. Criteria: Ambry Variant Classification Scheme 2023. Collection method: clinical testing. Allele origin: germline.
Comment: The p.L1488H variant (also known as c.4463T>A), located in coding exon 13 of the ASXL1 gene, results from a T to A substitution at nucleotide position 4463. The leucine at codon 1488 is replaced by histidine, an amino acid with similar properties. This amino acid position is conserved. In addition, the in silico prediction for this alteration is inconclusive. Based on the available evidence, the clinical significance of this variant remains unclear.

NM_015338.6(ASXL1):c.4463T>A (p.Leu1488His)

Gene: ASXL1 (ASXL transcriptional regulator 1; plus strand). Cytogenetic location: 20q11.21.
Variant type: single nucleotide variant.
Coding change: c.4463T>A on transcript NM_015338.6 (MANE Select); coding-DNA position 4463, T replaced by A.
Protein change: p.Leu1488His; replaces leucine 1488 with histidine.
Molecular consequence: missense variant.
Genome position (GRCh38, 1-based): chr20:32,437,175, T>A. VCF-style: chr20-32437175-T-A. GRCh37 (hg19) VCF-style: chr20-31024978-T-A.
Other names: c.4280T>A, p.Leu1427His (NM_001363734.1); short protein forms L1427H, L1488H.
Identifiers: ClinVar variation 4587760 (VCV004587760.1).